The following is an entry in ClinVar:

NM_002471.4(MYH6):c.4185G>A (p.Leu1395=)

Gene: MYH6 (myosin heavy chain 6; minus strand). Cytogenetic location: 14q11.2.
Variant type: single nucleotide variant.
Coding change: c.4185G>A on transcript NM_002471.4 (MANE Select); coding-DNA position 4185, G replaced by A.
Protein change: p.Leu1395=; no amino-acid change (leucine 1395 retained).
Molecular consequence: synonymous variant.
Genome position (GRCh38, 1-based): chr14:23,388,329, C>T on the plus strand (G>A on the coding strand, the complement: MYH6 is on the minus strand). VCF-style: chr14-23388329-C-T. GRCh37 (hg19) VCF-style: chr14-23857538-C-T.
Identifiers: ClinVar variation 511346 (VCV000511346.1), dbSNP rs1555333480, ClinGen allele CA485609355.
Genomic context (GRCh38, chr14:23,388,329, plus strand): 5'-TGAGGAGCACTTGGCATTAACAGCCTCCACGGCCTCCTCGGCATCCTGCAGCCGCTGGGC[C>T]AGCTTCTTTCTGCCCAGGTGAGGGTGGAGGGTGTGTGTGTGACTCTACTGGGCAACACTG-3'
Protein context (NP_002462.2, residues 1385-1405): TEELEEAKKK[Leu1395=]AQRLQDAEEA

ClinVar aggregate classification (germline): Likely benign (1 of 4 stars; one submission).

Submission:

GeneDx
Classification: Likely benign. Last evaluated: 2017-08-15. Review status: criteria provided, single submitter. Criteria: GeneDx Variant Classification (06012015). Collection method: clinical testing. Allele origin: germline. Affected: yes.
Comment: This variant is considered likely benign or benign based on one or more of the following criteria: it is a conservative change, it occurs at a poorly conserved position in the protein, it is predicted to be benign by multiple in silico algorithms, and/or has population frequency not consistent with disease.